The following is an entry in ClinVar:

NM_002834.5(PTPN11):c.1093A>C (p.Ser365Arg)

Gene: PTPN11 (protein tyrosine phosphatase non-receptor type 11; plus strand). Cytogenetic location: 12q24.13.
Variant type: single nucleotide variant.
Coding change: c.1093A>C on transcript NM_002834.5 (MANE Select); coding-DNA position 1093, A replaced by C.
Protein change: p.Ser365Arg; replaces serine 365 with arginine.
Molecular consequence: missense variant.
Genome position (GRCh38, 1-based): chr12:112,482,074, A>C. VCF-style: chr12-112482074-A-C. GRCh37 (hg19) VCF-style: chr12-112919878-A-C.
Other names: c.1093A>C, p.Ser365Arg (NM_001330437.2, NM_080601.3); c.1090A>C, p.Ser364Arg (NM_001374625.1); short protein forms S365R, S364R.
Identifiers: ClinVar variation 633381 (VCV000633381.4), dbSNP rs1566183223, ClinGen allele CA386775448.

ClinVar aggregate classification (germline): Uncertain significance. Review status: criteria provided, multiple submitters, no conflicts (2 of 4 stars). 2 submissions from 2 submitters: Uncertain significance (2). Last evaluated 2023-11-12.

Conditions:
RASopathy. Also called: rasopathies; Noonan spectrum disorder. Identifiers: Orphanet 536391, MedGen C5555857, MONDO:0021060.

Submissions (2):

Labcorp Genetics (formerly Invitae), Labcorp
Classification: Uncertain significance for RASopathy. Last evaluated: 2023-11-12. Review status: criteria provided, single submitter. Criteria: Invitae Variant Classification Sherloc (09022015). Collection method: clinical testing. Allele origin: germline.
Comment: This sequence change replaces serine, which is neutral and polar, with arginine, which is basic and polar, at codon 365 of the PTPN11 protein (p.Ser365Arg). This variant is not present in population databases (gnomAD no frequency). This variant has not been reported in the literature in individuals affected with PTPN11-related conditions. ClinVar contains an entry for this variant (Variation ID: 633381). An algorithm developed to predict the effect of missense changes on protein structure and function (PolyPhen-2) suggests that this variant is likely to be tolerated. In summary, the available evidence is currently insufficient to determine the role of this variant in disease. Therefore, it has been classified as a Variant of Uncertain Significance.

Women's Health and Genetics/Laboratory Corporation of America, LabCorp
Classification: Uncertain significance. Last evaluated: 2018-09-02. Review status: criteria provided, single submitter. Criteria: LabCorp Variant Classification Summary - May 2015. Collection method: clinical testing. Allele origin: germline.
Comment: Variant summary: PTPN11 c.1093A>C (p.Ser365Arg) results in a non-conservative amino acid change located in the Tyrosine specific protein phosphatases domain of the encoded protein sequence. Three of five in-silico tools predict a benign effect of the variant on protein function. The variant is also located in at the first 5' position in exon 10, which could alter splicing. However, 5/5 computational tools predict no significant impact on normal splicing. These predictions have yet to be confirmed by functional studies. The variant was absent in 246168 control chromosomes (gnomAD). The available data on variant occurrences in the general population are insufficient to allow any conclusion about variant significance. To our knowledge, no occurrence of c.1093A>C in individuals affected with Noonan Syndrome and Related Conditions and no experimental evidence demonstrating its impact on protein function have been reported. No clinical diagnostic laboratories have submitted clinical-significance assessments for this variant to ClinVar after 2014. Based on the evidence outlined above, the variant was classified as uncertain significance.